The following is an entry in ClinVar:

ClinVar aggregate classification (germline): Uncertain significance (1 of 4 stars; one submission).

Conditions:
Charcot-Marie-Tooth disease axonal type 2V. Also called: CHARCOT-MARIE-TOOTH NEUROPATHY, TYPE 2V; CHARCOT-MARIE-TOOTH DISEASE, AXONAL, AUTOSOMAL DOMINANT, TYPE 2V. Identifiers: Orphanet 447964, MedGen C5569050, MONDO:0014665, OMIM 616491.
Mucopolysaccharidosis, MPS-III-B (MPS3B). Also called: N-ACETYL-ALPHA-D-GLUCOSAMINIDASE DEFICIENCY; NAGLU DEFICIENCY; SANFILIPPO SYNDROME B; MPS III B; MUCOPOLYSACCHARIDOSIS, TYPE IIIB; MPS IIIB (Sanfilippo Syndrome Type B). Identifiers: Orphanet 79270, MedGen C0086648, MONDO:0009656, OMIM 252920.

Submission:

Labcorp Genetics (formerly Invitae), Labcorp
Classification: Uncertain significance for Charcot-Marie-Tooth disease axonal type 2V; Mucopolysaccharidosis, MPS-III-B. Last evaluated: 2022-03-09. Review status: criteria provided, single submitter. Criteria: Invitae Variant Classification Sherloc (09022015). Collection method: clinical testing. Allele origin: germline.
Comment: This sequence change replaces alanine, which is neutral and non-polar, with threonine, which is neutral and polar, at codon 635 of the NAGLU protein (p.Ala635Thr). This variant is not present in population databases (gnomAD no frequency). This variant has not been reported in the literature in individuals affected with NAGLU-related conditions. Advanced modeling of protein sequence and biophysical properties (such as structural, functional, and spatial information, amino acid conservation, physicochemical variation, residue mobility, and thermodynamic stability) performed at Invitae indicates that this missense variant is expected to disrupt NAGLU protein function. In summary, the available evidence is currently insufficient to determine the role of this variant in disease. Therefore, it has been classified as a Variant of Uncertain Significance.

NM_000263.4(NAGLU):c.1903G>A (p.Ala635Thr)

Gene: NAGLU (N-acetyl-alpha-glucosaminidase; plus strand). Cytogenetic location: 17q21.2.
Variant type: single nucleotide variant.
Coding change: c.1903G>A on transcript NM_000263.4 (MANE Select); coding-DNA position 1903, G replaced by A.
Protein change: p.Ala635Thr; replaces alanine 635 with threonine.
Molecular consequence: missense variant.
Genome position (GRCh38, 1-based): chr17:42,543,909, G>A. VCF-style: chr17-42543909-G-A. GRCh37 (hg19) VCF-style: chr17-40695927-G-A.
Other names: short protein forms A635T.
Identifiers: ClinVar variation 2107902 (VCV002107902.4), dbSNP rs1449616485, ClinGen allele CA399605427.